The following is an entry in ClinVar:

ClinVar aggregate classification (germline): Uncertain significance (1 of 4 stars; one submission).

Conditions:
Autosomal recessive limb-girdle muscular dystrophy type 2J (LGMDR10). Also called: Limb-girdle muscular dystrophy, type 2J; MUSCULAR DYSTROPHY, LIMB-GIRDLE, AUTOSOMAL RECESSIVE 10. Identifiers: Orphanet 140922, MedGen C1837342, MONDO:0012127, OMIM 608807.
Dilated cardiomyopathy 1G (CMD1G). Identifiers: Orphanet 154, MedGen C1858763, MONDO:0011400, OMIM 604145.

Submission:

Labcorp Genetics (formerly Invitae), Labcorp
Classification: Uncertain significance for Dilated cardiomyopathy 1G; Autosomal recessive limb-girdle muscular dystrophy type 2J. Last evaluated: 2018-05-18. Review status: criteria provided, single submitter. Criteria: Invitae Variant Classification Sherloc (09022015). Collection method: clinical testing. Allele origin: germline.
Comment: Algorithms developed to predict the effect of missense changes on protein structure and function are unavailable for the TTN gene. This variant is not present in population databases (ExAC no frequency). This sequence change replaces threonine with serine at codon 16814 of the TTN protein (p.Thr16814Ser). The threonine residue is highly conserved and there is a small physicochemical difference between threonine and serine. This variant has not been reported in the literature in individuals with TTN-related disease. This variant is located in the A band of TTN (PMID: 25589632). Variants in this region may be relevant for cardiac or neuromuscular disorders (PMID: 25589632, 23975875). Algorithms developed to predict the effect of sequence changes on RNA splicing suggest that this variant may create or strengthen a splice site, but this prediction has not been confirmed by published transcriptional studies. In summary, the available evidence is currently insufficient to determine the role of this variant in disease. Therefore, it has been classified as a Variant of Uncertain Significance.

Literature cited by the submitters: PubMed 25589632; PubMed 23975875.

NM_001267550.2(TTN):c.50441C>G (p.Thr16814Ser)

Genes: TTN-AS1 (TTN antisense RNA 1; plus strand), TTN (titin; minus strand). Cytogenetic location: 2q31.2.
Variant type: single nucleotide variant.
Coding change: c.50441C>G on transcript NM_001267550.2 (MANE Select); coding-DNA position 50441, C replaced by G.
Protein change: p.Thr16814Ser; replaces threonine 16814 with serine.
Molecular consequence: missense variant.
Genome position (GRCh38, 1-based): chr2:178,611,868, G>C on the plus strand (C>G on the coding strand, the complement: TTN is on the minus strand). VCF-style: chr2-178611868-G-C. GRCh37 (hg19) VCF-style: chr2-179476595-G-C.
Other names: c.23246C>G, p.Thr7749Ser (NM_003319.4); c.42737C>G, p.Thr14246Ser (NM_133378.4); c.23621C>G, p.Thr7874Ser (NM_133432.3); c.23822C>G, p.Thr7941Ser (NM_133437.4); c.45518C>G, p.Thr15173Ser (NM_001256850.1); short protein forms T16814S, T7874S, T15173S, T7749S, T7941S, T14246S.
Identifiers: ClinVar variation 576657 (VCV000576657.7), dbSNP rs1559783698, ClinGen allele CA349596064.